The following is an entry in ClinVar:

NM_002471.4(MYH6):c.2312T>G (p.Leu771Arg)

Gene: MYH6 (myosin heavy chain 6; minus strand). Cytogenetic location: 14q11.2.
Variant type: single nucleotide variant.
Coding change: c.2312T>G on transcript NM_002471.4 (MANE Select); coding-DNA position 2312, T replaced by G.
Protein change: p.Leu771Arg; replaces leucine 771 with arginine.
Molecular consequence: missense variant.
Genome position (GRCh38, 1-based): chr14:23,396,401, A>C on the plus strand (T>G on the coding strand, the complement: MYH6 is on the minus strand). VCF-style: chr14-23396401-A-C. GRCh37 (hg19) VCF-style: chr14-23865610-A-C.
Other names: short protein forms L771R.
Identifiers: ClinVar variation 1789459 (VCV001789459.2), dbSNP rs1391957569, ClinGen allele CA389016447.

ClinVar aggregate classification (germline): Uncertain significance (1 of 4 stars; one submission).

Conditions:
Cardiovascular phenotype. Identifiers: MedGen CN230736.

Allele frequency attached by ClinVar (database versions not stated): gnomAD 0.00001.
gnomAD v4.1: 1 of 1,613,894 alleles (0.000062%); highest among the groups gnomAD compares: African/African-American, 0.0013%; no homozygotes.

Submission:

Ambry Genetics
Classification: Uncertain significance for Cardiovascular phenotype. Last evaluated: 2021-08-09. Review status: criteria provided, single submitter. Criteria: Ambry Variant Classification Scheme 2023. Collection method: clinical testing. Allele origin: germline.
Comment: The p.L771R variant (also known as c.2312T>G), located in coding exon 18 of the MYH6 gene, results from a T to G substitution at nucleotide position 2312. The leucine at codon 771 is replaced by arginine, an amino acid with dissimilar properties. This amino acid position is conserved. In addition, this alteration is predicted to be deleterious by in silico analysis. Since supporting evidence is limited at this time, the clinical significance of this alteration remains unclear.